The following is an entry in ClinVar:

ClinVar aggregate classification (germline): Conflicting classifications of pathogenicity. Review status: criteria provided, conflicting classifications (1 of 4 stars). 2 submissions from 2 submitters: Uncertain significance (1); Likely benign (1). Last evaluated 2024-09-20.

Conditions:
X-linked Opitz G/BBB syndrome (GBBB). Also called: OPITZ BBBG SYNDROME, TYPE I; OPITZ SYNDROME, X-LINKED; OPITZ-G SYNDROME, TYPE I; MID1-Related Opitz G/BBB Syndrome; Opitz-Frias syndrome. Identifiers: Orphanet 2745, MedGen C2936904, MONDO:0010222, OMIM 300000.

Submissions (2):

3billion
Classification: Likely benign for X-linked Opitz G/BBB syndrome. Last evaluated: 2024-09-20. Review status: criteria provided, single submitter. Criteria: ACMG Guidelines, 2015. Collection method: clinical testing. Allele origin: germline. Affected: no.
Comment: The hemizygous variant was found in patients diagnosed with another variant in a different gene, with no symptoms related to the gene containing the hemizygous variant.

GeneDx
Classification: Uncertain significance. Last evaluated: 2022-04-08. Review status: criteria provided, single submitter. Criteria: GeneDx Variant Classification Process June 2021. Collection method: clinical testing. Allele origin: germline. Affected: yes.
Comment: Not observed at significant frequency in large population cohorts (gnomAD); In silico analysis supports that this missense variant does not alter protein structure/function; Has not been previously published as pathogenic or benign to our knowledge

NM_000381.4(MID1):c.769C>A (p.Arg257Ser)

Gene: MID1 (midline 1; minus strand). Cytogenetic location: Xp22.2.
Variant type: single nucleotide variant.
Coding change: c.769C>A on transcript NM_000381.4 (MANE Select); coding-DNA position 769, C replaced by A.
Protein change: p.Arg257Ser; replaces arginine 257 with serine.
Molecular consequence: missense variant.
Genome position (GRCh38, 1-based): chrX:10,495,679, G>T on the plus strand (C>A on the coding strand, the complement: MID1 is on the minus strand). VCF-style: chrX-10495679-G-T. GRCh37 (hg19) VCF-style: chrX-10463719-G-T.
Other names: c.769C>A, p.Arg257Ser (NM_001193279.1, NM_001347733.2, NM_001098624.2 and 2 more transcripts); c.655C>A, p.Arg219Ser (NM_001193280.1, NM_033289.2); c.922C>A, p.Arg308Ser (NM_001193278.1); short protein forms R219S, R257S, R308S.
Identifiers: ClinVar variation 1708775 (VCV001708775.3), dbSNP rs755644971, ClinGen allele CA412047929.